The following is an entry in ClinVar:

ClinVar aggregate classification (germline): Pathogenic (1 of 4 stars; one submission).

Conditions:
Legius syndrome. Identifiers: Orphanet 137605, MedGen C1969623, MONDO:0012669, OMIM 611431. Disease mechanism: loss of function.

Submission:

Labcorp Genetics (formerly Invitae), Labcorp
Classification: Pathogenic for Legius syndrome. Last evaluated: 2021-06-09. Review status: criteria provided, single submitter. Criteria: Invitae Variant Classification Sherloc (09022015). Collection method: clinical testing. Allele origin: germline.
Comment: This variant disrupts the C-terminus of the SPRED1 protein. Other variant(s) that disrupt this region (p.Cys418Alafs*6) have been determined to be pathogenic (PMID: 19920235, Invitae). This suggests that variants that disrupt this region of the protein are likely to be causative of disease. For these reasons, this variant has been classified as Pathogenic. This variant has not been reported in the literature in individuals with SPRED1-related conditions. This variant is not present in population databases (ExAC no frequency). This sequence change creates a premature translational stop signal (p.Ile413Cysfs*18) in the SPRED1 gene. While this is not anticipated to result in nonsense mediated decay, it is expected to disrupt the last 32 amino acid(s) of the SPRED1 protein.

Literature cited by the submitters: PubMed 19920235.

NM_152594.3(SPRED1):c.1237_1238del (p.Ile413fs)

Gene: SPRED1 (sprouty related EVH1 domain containing 1; plus strand). Cytogenetic location: 15q14.
Variant type: Deletion.
Coding change: c.1237_1238del on transcript NM_152594.3 (MANE Select); coding-DNA positions 1237 to 1238, 2 bases deleted (AT; older notation c.1237_1238delAT).
Protein change: p.Ile413fs; shifts the reading frame from isoleucine 413.
Molecular consequence: frameshift variant.
Genome position (GRCh38, 1-based): chr15:38,351,566-38,351,567, AT deleted. VCF-style (leftmost placement, unchanged base first): chr15-38351565-CAT-C. GRCh37 (hg19) VCF-style: chr15-38643766-CAT-C.
Other names: short protein forms I413fs.
Identifiers: ClinVar variation 1452330 (VCV001452330.8), dbSNP rs2141016692, ClinGen allele CA2573150675.